The following is an entry in ClinVar:

ClinVar aggregate classification (germline): Uncertain significance. Review status: criteria provided, multiple submitters, no conflicts (2 of 4 stars). 2 submissions from 2 submitters: Uncertain significance (2). Last evaluated 2024-09-17.

Conditions:
Autosomal recessive limb-girdle muscular dystrophy type 2K. Also called: MUSCULAR DYSTROPHY-DYSTROGLYCANOPATHY (LIMB-GIRDLE), TYPE C, 1; MUSCULAR DYSTROPHY, LIMB-GIRDLE, TYPE 2K. Identifiers: Orphanet 86812, MedGen C1836373, MONDO:0012248, OMIM 609308.
Walker-Warburg congenital muscular dystrophy. Also called: Muscular dystrophy-dystroglycanopathy, type A; Walker-Warburg syndrome. Identifiers: Orphanet 899, MedGen C0265221, MONDO:0000171.
Muscular dystrophy-dystroglycanopathy (congenital with impaired intellectual development), type B, 1. Also called: Muscular dystrophy-dystroglycanopathy (congenital with intellectual disability), type B1; MUSCULAR DYSTROPHY, CONGENITAL, POMT1-RELATED. Identifiers: MedGen C5436962, MONDO:0013159, OMIM 613155.

Allele frequency attached by ClinVar (database versions not stated): gnomAD exomes 0.00001; gnomAD 0.00001; TOPMed 0.00001.
gnomAD v4.1: 8 of 1,614,034 alleles (0.0005%); highest among the groups gnomAD compares: Non-Finnish European, 0.00068%; no homozygotes.

Submissions (2):

GeneDx
Classification: Uncertain significance. Last evaluated: 2024-09-17. Review status: criteria provided, single submitter. Criteria: GeneDx Variant Classification Process June 2021. Collection method: clinical testing. Allele origin: germline. Affected: yes.
Comment: Not observed at significant frequency in large population cohorts (gnomAD); In silico analysis supports that this missense variant has a deleterious effect on protein structure/function; Has not been previously published as pathogenic or benign to our knowledge

Labcorp Genetics (formerly Invitae), Labcorp
Classification: Uncertain significance for Muscular dystrophy-dystroglycanopathy (congenital with impaired intellectual development), type B, 1; Walker-Warburg congenital muscular dystrophy; Autosomal recessive limb-girdle muscular dystrophy type 2K. Last evaluated: 2022-02-04. Review status: criteria provided, single submitter. Criteria: Invitae Variant Classification Sherloc (09022015). Collection method: clinical testing. Allele origin: germline.
Comment: This sequence change replaces glycine, which is neutral and non-polar, with arginine, which is basic and polar, at codon 334 of the POMT1 protein (p.Gly334Arg). This variant is not present in population databases (gnomAD no frequency). This variant has not been reported in the literature in individuals affected with POMT1-related conditions. ClinVar contains an entry for this variant (Variation ID: 962875). Algorithms developed to predict the effect of missense changes on protein structure and function (SIFT, PolyPhen-2, Align-GVGD) all suggest that this variant is likely to be disruptive. Algorithms developed to predict the effect of sequence changes on RNA splicing suggest that this variant may create or strengthen a splice site. In summary, the available evidence is currently insufficient to determine the role of this variant in disease. Therefore, it has been classified as a Variant of Uncertain Significance.

NM_001077365.2(POMT1):c.934G>A (p.Gly312Arg)

Gene: POMT1 (protein O-mannosyltransferase 1; plus strand). Cytogenetic location: 9q34.13.
Variant type: single nucleotide variant.
Coding change: c.934G>A on transcript NM_001077365.2 (MANE Select); coding-DNA position 934, G replaced by A.
Protein change: p.Gly312Arg; replaces glycine 312 with arginine.
Molecular consequence: missense variant. On other transcripts: nonsense (1), non-coding transcript variant (10).
Genome position (GRCh38, 1-based): chr9:131,511,415, G>A. VCF-style: chr9-131511415-G-A. GRCh37 (hg19) VCF-style: chr9-134386802-G-A.
Other names: c.772G>A, p.Gly258Arg (NM_001077366.2, NM_001353194.2, NM_001374693.1); c.934G>A, p.Gly312Arg (NM_001136113.2, NM_001374690.1); c.583G>A, p.Gly195Arg (NM_001136114.2, NM_001353195.2, NM_001374691.1 and 1 more transcripts); c.1000G>A, p.Gly334Arg (NM_001353193.2, NM_007171.4); c.844G>A, p.Gly282Arg (NM_001353196.2); c.838G>A, p.Gly280Arg (NM_001353197.2, NM_001353198.2); c.649G>A, p.Gly217Arg (NM_001353199.2); c.478G>A, p.Gly160Arg (NM_001353200.2); and 2 more; short protein forms G195R, G258R, G280R, G182R, W306*, G160R, G217R, G282R.
Identifiers: ClinVar variation 962875 (VCV000962875.8), dbSNP rs1428763564, ClinGen allele CA375308569.
Genomic context (GRCh38, chr9:131,511,415, plus strand): 5'-ACTCAGGGTCAGCCACTGGAGGTGGCCTTTGGGTCCCAGGTCACTCTGAGGAACGTCTTT[G>A]GGAAACCTGTGCCCTGCTGGCTTCATTCCCACCAGGACACCTACCCCATGATGTAAGGTG-3'
Protein context (NP_001070833.1, residues 302-322): GSQVTLRNVF[Gly312Arg]KPVPCWLHSH